The following is an entry in ClinVar:

ClinVar aggregate classification (germline): Uncertain significance (1 of 4 stars; one submission).

Submission:

GeneDx
Classification: Uncertain significance. Last evaluated: 2024-05-15. Review status: criteria provided, single submitter. Criteria: GeneDx Variant Classification Process June 2021. Collection method: clinical testing. Allele origin: germline. Affected: yes.
Comment: Not observed at significant frequency in large population cohorts (gnomAD); In silico analysis indicates that this missense variant does not alter protein structure/function; Has not been previously published as pathogenic or benign to our knowledge

NM_032119.4(ADGRV1):c.3750G>C (p.Glu1250Asp)

Gene: ADGRV1 (adhesion G protein-coupled receptor V1; plus strand). Cytogenetic location: 5q14.3.
Variant type: single nucleotide variant.
Coding change: c.3750G>C on transcript NM_032119.4 (MANE Select); coding-DNA position 3750, G replaced by C.
Protein change: p.Glu1250Asp; replaces glutamic acid 1250 with aspartic acid.
Molecular consequence: missense variant. On other transcripts: non-coding transcript variant (1).
Genome position (GRCh38, 1-based): chr5:90,653,324, G>C. VCF-style: chr5-90653324-G-C. GRCh37 (hg19) VCF-style: chr5-89949141-G-C.
Other names: short protein forms E1250D.
Identifiers: ClinVar variation 3378280 (VCV003378280.1).